The following is an entry in ClinVar:

NM_015602.4(TOR1AIP1):c.581G>A (p.Arg194His)

Gene: TOR1AIP1 (torsin 1A interacting protein 1; plus strand). Cytogenetic location: 1q25.2.
Variant type: single nucleotide variant.
Coding change: c.581G>A on transcript NM_015602.4 (MANE Select); coding-DNA position 581, G replaced by A.
Protein change: p.Arg194His; replaces arginine 194 with histidine.
Molecular consequence: missense variant.
Genome position (GRCh38, 1-based): chr1:179,889,340, G>A. VCF-style: chr1-179889340-G-A. GRCh37 (hg19) VCF-style: chr1-179858475-G-A.
Other names: c.584G>A, p.Arg195His (NM_001267578.2); short protein forms R195H, R194H.
Identifiers: ClinVar variation 858426 (VCV000858426.5), dbSNP rs761858266, ClinGen allele CA1268845.

ClinVar aggregate classification (germline): Uncertain significance (1 of 4 stars; one submission).

Conditions:
Autosomal recessive limb-girdle muscular dystrophy type 2Y (MRRSDC). Also called: Muscular dystrophy, autosomal recessive, with rigid spine and distal joint contractures; Muscular dystrophy, limb-girdle, type 2y. Identifiers: Orphanet 424261, MedGen C4511482, MONDO:0014900, OMIM 617072.

Allele frequency attached by ClinVar (database versions not stated): ExAC 0.00001; gnomAD 0.00001; gnomAD exomes 0.00001; TOPMed 0.00001.
gnomAD v4.1: 14 of 1,605,546 alleles (0.00087%); highest among the groups gnomAD compares: Admixed American, 0.0017%; no homozygotes.

Submission:

Labcorp Genetics (formerly Invitae), Labcorp
Classification: Uncertain significance for Autosomal recessive limb-girdle muscular dystrophy type 2Y. Last evaluated: 2020-12-10. Review status: criteria provided, single submitter. Criteria: Invitae Variant Classification Sherloc (09022015). Collection method: clinical testing. Allele origin: germline.
Comment: In summary, the available evidence is currently insufficient to determine the role of this variant in disease. Therefore, it has been classified as a Variant of Uncertain Significance. Algorithms developed to predict the effect of missense changes on protein structure and function are either unavailable or do not agree on the potential impact of this missense change (SIFT: "Tolerated"; PolyPhen-2: "Possibly Damaging"; Align-GVGD: "Class C0"). This variant has not been reported in the literature in individuals with TOR1AIP1-related conditions. This variant is present in population databases (rs761858266, ExAC 0.009%). This sequence change replaces arginine with histidine at codon 195 of the TOR1AIP1 protein (p.Arg195His). The arginine residue is weakly conserved and there is a small physicochemical difference between arginine and histidine.